The following is an entry in ClinVar:

NM_000094.4(COL7A1):c.7604A>T (p.Lys2535Met)

Gene: COL7A1 (collagen type VII alpha 1 chain; minus strand). Cytogenetic location: 3p21.31.
Variant type: single nucleotide variant.
Coding change: c.7604A>T on transcript NM_000094.4 (MANE Select); coding-DNA position 7604, A replaced by T.
Protein change: p.Lys2535Met; replaces lysine 2535 with methionine.
Molecular consequence: missense variant.
Genome position (GRCh38, 1-based): chr3:48,569,602, T>A on the plus strand (A>T on the coding strand, the complement: COL7A1 is on the minus strand). VCF-style: chr3-48569602-T-A. GRCh37 (hg19) VCF-style: chr3-48607035-T-A.
Other names: short protein forms K2535M.
Identifiers: ClinVar variation 3391215 (VCV003391215.1).

ClinVar aggregate classification (germline): Uncertain significance (1 of 4 stars; one submission).

Conditions:
Epidermolysis bullosa pruriginosa. Also called: DEB, PRURIGINOSA; DYSTROPHIC EPIDERMOLYSIS BULLOSA PRURIGINOSA. Identifiers: Orphanet 89843, MedGen C1275114, MONDO:0011398, OMIM 604129.

Submission:

Neuberg Centre For Genomic Medicine, NCGM
Classification: Uncertain significance for Epidermolysis bullosa pruriginosa. Last evaluated: 2023-07-22. Review status: criteria provided, single submitter. Criteria: ACMG Guidelines, 2015. Collection method: clinical testing. Allele origin: germline. Inheritance: Autosomal recessive inheritance. Affected: yes.
Comment: The observed missense variant c.7604A>Tp.Lys2535Met in the COL7A1 gene has not been reported previously as a pathogenic variant nor as a benign variant, to our knowledge. This variant is absent in the gnomAD Exomes. The amino acid Lys at position 2535 is changed to a Met changing protein sequence and it might alter its composition and physico-chemical properties. Multiple lines of computational evidence Polyphen - Damaging, SIFT - Damaging and MutationTaster - Disease causing predict a damaging effect on protein structure and function for this variant. The residue is conserved by GERP++ and PhyloP across 100 vertebrates. For these reasons, this variant has been classified as Uncertain Significance.